The following is an entry in ClinVar:

NM_004963.4(GUCY2C):c.2026C>T (p.Arg676Trp)

Gene: GUCY2C (guanylate cyclase 2C; minus strand). Cytogenetic location: 12p12.3.
Variant type: single nucleotide variant.
Coding change: c.2026C>T on transcript NM_004963.4 (MANE Select); coding-DNA position 2026, C replaced by T.
Protein change: p.Arg676Trp; replaces arginine 676 with tryptophan.
Molecular consequence: missense variant.
Genome position (GRCh38, 1-based): chr12:14,641,124, G>A on the plus strand (C>T on the coding strand, the complement: GUCY2C is on the minus strand). VCF-style: chr12-14641124-G-A. GRCh37 (hg19) VCF-style: chr12-14794058-G-A.
Other names: short protein forms R676W.
Identifiers: ClinVar variation 1302910 (VCV001302910.7), dbSNP rs201111235, ClinGen allele CA6463214.

ClinVar aggregate classification (germline): Uncertain significance. Review status: criteria provided, multiple submitters, no conflicts (2 of 4 stars). 2 submissions from 2 submitters: Uncertain significance (2). Last evaluated 2025-12-03.

Allele frequency attached by ClinVar (database versions not stated): gnomAD exomes 0.00001 and 0.00003; ExAC 0.00003; gnomAD 0.00006 and 0.00007; ESP Exome Variant Server 0.00015.
gnomAD v4.1: 28 of 1,613,544 alleles (0.0017%); highest among the groups gnomAD compares: African/African-American, 0.016%; no homozygotes.

Submissions (2):

Labcorp Genetics (formerly Invitae), Labcorp
Classification: Uncertain significance. Last evaluated: 2025-12-03. Review status: criteria provided, single submitter. Criteria: Invitae Variant Classification Sherloc (09022015). Collection method: clinical testing. Allele origin: germline.
Comment: This sequence change replaces arginine, which is basic and polar, with tryptophan, which is neutral and slightly polar, at codon 676 of the GUCY2C protein (p.Arg676Trp). This variant is present in population databases (rs201111235, gnomAD 0.02%). This variant has not been reported in the literature in individuals affected with GUCY2C-related conditions. ClinVar contains an entry for this variant (Variation ID: 1302910). Invitae Evidence Modeling of protein sequence and biophysical properties (such as structural, functional, and spatial information, amino acid conservation, physicochemical variation, residue mobility, and thermodynamic stability) indicates that this missense variant is expected to disrupt GUCY2C protein function with a positive predictive value of 80%. In summary, the available evidence is currently insufficient to determine the role of this variant in disease. Therefore, it has been classified as a Variant of Uncertain Significance.

GeneDx
Classification: Uncertain significance. Last evaluated: 2020-08-26. Review status: criteria provided, single submitter. Criteria: GeneDx Variant Classification Process June 2021. Collection method: clinical testing. Allele origin: germline. Affected: yes.
Comment: In silico analysis supports that this missense variant has a deleterious effect on protein structure/function; Has not been previously published as pathogenic or benign to our knowledge